The following is an entry in ClinVar:

ClinVar aggregate classification (germline): Likely benign. Review status: criteria provided, multiple submitters, no conflicts (2 of 4 stars). 2 submissions from 2 submitters: Likely benign (2). Last evaluated 2018-06-19.

Allele frequency attached by ClinVar (database versions not stated): 1000 Genomes Project 30x 0.00734; 1000 Genomes Project 0.00639; TOPMed 0.01205; ESP Exome Variant Server 0.01566; gnomAD 0.01373.
gnomAD v4.1: 23,489 of 1,320,852 alleles (1.8%); highest among the groups gnomAD compares: Non-Finnish European, 2.2%; 263 homozygotes.

Submissions (2):

GeneDx
Classification: Likely benign. Last evaluated: 2018-06-19. Review status: criteria provided, single submitter. Criteria: GeneDx Variant Classification (06012015). Collection method: clinical testing. Allele origin: germline. Affected: yes.
Comment: This variant is considered likely benign or benign based on one or more of the following criteria: it is a conservative change, it occurs at a poorly conserved position in the protein, it is predicted to be benign by multiple in silico algorithms, and/or has population frequency not consistent with disease.

Breakthrough Genomics
Classification: Likely benign. Review status: criteria provided, single submitter. Criteria: ACMG Guidelines, 2015. Collection method: not provided. Allele origin: germline. Inheritance: Autosomal recessive inheritance. Affected: yes.

NM_030962.4(SBF2):c.5319+52C>T

Genes: SBF2 (SET binding factor 2; minus strand), SBF2-AS1 (SBF2 antisense RNA 1; plus strand), LOC105369149 (uncharacterized LOC105369149; plus strand). Cytogenetic location: 11p15.4.
Variant type: single nucleotide variant.
Coding change: c.5319+52C>T on transcript NM_030962.4 (MANE Select); 52 bases into the intron after coding-DNA position 5319, C replaced by T.
Molecular consequence: intron variant.
Genome position (GRCh38, 1-based): chr11:9,784,299, G>A on the plus strand (C>T on the coding strand, the complement: SBF2 is on the minus strand). VCF-style: chr11-9784299-G-A. GRCh37 (hg19) VCF-style: chr11-9805846-G-A.
Other names: c.5190+52C>T (NM_001386342.1); c.5415+52C>T (NM_001386339.1).
Identifiers: ClinVar variation 676976 (VCV000676976.2), dbSNP rs35103525, ClinGen allele CA15693911.
Genomic context (GRCh38, chr11:9,784,299, plus strand): 5'-TAAAAAAGCAGTCTGTACATGAGGAATCTATCTGTCTGCTAGAGCCACATAATAGCCAGG[G>A]ACTGGGACTAGCCTAGACAGAAGTAATTTCTTTTGGCTTTAAGAGTATTACCTGATGTTT-3'